The following is an entry in ClinVar:

NM_001370466.1(NOD2):c.2057G>A (p.Arg686His)

Gene: NOD2 (nucleotide binding oligomerization domain containing 2; plus strand). Cytogenetic location: 16q12.1.
Variant type: single nucleotide variant.
Coding change: c.2057G>A on transcript NM_001370466.1 (MANE Select); coding-DNA position 2057, G replaced by A.
Protein change: p.Arg686His; replaces arginine 686 with histidine.
Molecular consequence: missense variant. On other transcripts: non-coding transcript variant (1).
Genome position (GRCh38, 1-based): chr16:50,712,049, G>A. VCF-style: chr16-50712049-G-A. GRCh37 (hg19) VCF-style: chr16-50745960-G-A.
Other names: c.2057G>A, p.Arg686His (NM_001293557.2); c.2138G>A, p.Arg713His (NM_022162.3); c.2138G>A (LRG_177t1); short protein forms R713H, R686H.
Identifiers: ClinVar variation 97844 (VCV000097844.60), dbSNP rs104895483, ClinGen allele CA150244.
Genomic context (GRCh38, chr16:50,712,049, plus strand): 5'-GCCAGACATCTGAGAAGGCCCTGCTCCGGCGCCAGGCCTGTGCCCGCTGGTGTCTGGCCC[G>A]CAGCCTCCGCAAGCACTTCCACTCCATCCCGCCAGCTGCACCGGGTGAGGCCAAGAGCGT-3'
Protein context (NP_001357395.1, residues 676-696): RQACARWCLA[Arg686His]SLRKHFHSIP

ClinVar aggregate classification (germline): Benign/Likely benign. Review status: criteria provided, multiple submitters, no conflicts (2 of 4 stars). 9 submissions from 8 submitters: Benign (2); Likely benign (5). 2 of the submissions do not count toward it. Last evaluated 2026-01-18.

Conditions:
NOD2-related disorder. Also called: NOD2-related condition.
Inflammatory bowel disease 1 (IBD1). Also called: Inflammatory bowel disease 1, Crohn disease; INFLAMMATORY BOWEL DISEASE (CROHN DISEASE) 1. Identifiers: MedGen CN260071, MONDO:0009960, OMIM 266600.
Autoinflammatory syndrome. Identifiers: Orphanet 93665, MedGen C3890737, MONDO:0019751.
Blau syndrome (BLAUS). Also called: GRANULOMATOSIS, FAMILIAL JUVENILE SYSTEMIC; GRANULOMATOSIS, FAMILIAL, BLAU TYPE; GRANULOMATOUS INFLAMMATORY ARTHRITIS, DERMATITIS, AND UVEITIS, FAMILIAL; JABS SYNDROME; ARTHROCUTANEOUVEAL GRANULOMATOSIS. Identifiers: Orphanet 90340, MedGen C5201146, MONDO:0008523, OMIM 186580.
Regional enteritis. Also called: Enteritis, Granulomatous. Identifiers: MedGen C0678202, MeSH D003424.

Allele frequency attached by ClinVar (database versions not stated): ExAC 0.00035; gnomAD exomes 0.00047; TOPMed 0.00048; gnomAD 0.00052 and 0.00055; ESP Exome Variant Server 0.00023.
gnomAD v4.1: 1,191 of 1,612,962 alleles (0.074%); highest among the groups gnomAD compares: Non-Finnish European, 0.089%; 1 homozygote.

Submissions (9):

Labcorp Genetics (formerly Invitae), Labcorp
Classification: Benign for Regional enteritis; Blau syndrome. Last evaluated: 2026-01-18. Review status: criteria provided, single submitter. Criteria: Invitae Variant Classification Sherloc (09022015). Collection method: clinical testing. Allele origin: germline.

CeGaT Center for Human Genetics Tuebingen
Classification: Likely benign. Last evaluated: 2025-11-01. Review status: criteria provided, single submitter. Criteria: CeGaT Center For Human Genetics Tuebingen Variant Classification Criteria Version 2. Collection method: clinical testing. Allele origin: germline. Affected: yes. Observed: 5 variant alleles.
Comment: NOD2: BP4, BS2

ARUP Laboratories, Molecular Genetics and Genomics, ARUP Laboratories
Classification: Likely benign. Last evaluated: 2025-02-11. Review status: criteria provided, single submitter. Criteria: ARUP Molecular Germline Variant Investigation Process 2024. Collection method: clinical testing. Allele origin: germline.

Blueprint Genetics
Classification: Likely benign. Last evaluated: 2024-11-04. Review status: criteria provided, single submitter. Criteria: ACMG Guidelines, 2015. Collection method: clinical testing. Allele origin: germline.

Genome Diagnostics Laboratory, The Hospital for Sick Children
Classification: Likely benign for Autoinflammatory syndrome. Last evaluated: 2021-04-07. Review status: criteria provided, single submitter. Criteria: ACMG Guidelines, 2015. Collection method: clinical testing. Allele origin: germline. Affected: yes.

Illumina Laboratory Services, Illumina
Classification: Likely benign for Inflammatory bowel disease 1. Last evaluated: 2017-04-27. Review status: criteria provided, single submitter. Criteria: ICSL Variant Classification Criteria 13 December 2019. Collection method: clinical testing. Allele origin: germline.
Comment: This variant was observed as part of a predisposition screen in an ostensibly healthy population. A literature search was performed for the gene, cDNA change, and amino acid change (where applicable). Publications were found based on this search. The evidence from the literature, in combination with allele frequency data from public databases where available, was sufficient to determine this variant is unlikely to cause disease. Therefore, this variant is classified as likely benign.

Illumina Laboratory Services, Illumina
Classification: Benign for Blau syndrome. Last evaluated: 2017-04-27. Review status: criteria provided, single submitter. Criteria: ICSL Variant Classification Criteria 13 December 2019. Collection method: clinical testing. Allele origin: germline.
Comment: This variant was observed as part of a predisposition screen in an ostensibly healthy population. A literature search was performed for the gene, cDNA change, and amino acid change (where applicable). No publications were found based on this search. Allele frequency data from public databases was too high to be consistent with this variant causing disease. Therefore, this variant is classified as benign.

PreventionGenetics, part of Exact Sciences
Classification: Uncertain significance for NOD2-related condition. Last evaluated: 2024-09-04. Review status: no assertion criteria provided. Collection method: clinical testing. Allele origin: germline. Not counted in ClinVar's aggregate classification.
Comment: The NOD2 c.2138G>A variant is predicted to result in the amino acid substitution p.Arg713His. This variant has been reported in individuals with inflammatory bowel disease (Schnitzler et al. 2006. PubMed ID: 16485124; Andreoletti et al. 2017. PubMed ID: 28422189) and orofacial granulomatosis (Mentzer et al. 2016. PubMed ID: 27306066). This variant was also identified in an control population (Andreoletti et al. 2017. PubMed ID: 28422189) and is reported in 0.28% of alleles in individuals of Ashkenazi Jewish descent in gnomAD. At this time, the clinical significance of this variant is uncertain due to the absence of conclusive functional and genetic evidence.

Unité médicale des maladies autoinflammatoires, CHRU Montpellier
No classification provided. Condition: Sarcoidosis, early-onset. Review status: no classification provided. Collection method: not provided. Allele origin: unknown. Not counted in ClinVar's aggregate classification.
Comment: also involved in OMIM 186580 and 266600

Literature cited by the submitters: PubMed 16485124 (cited by Illumina Laboratory Services, Illumina).